The following is an entry in ClinVar:

NM_032447.5(FBN3):c.4303G>A (p.Glu1435Lys)

Gene: FBN3 (fibrillin 3; minus strand). Cytogenetic location: 19p13.2.
Variant type: single nucleotide variant.
Coding change: c.4303G>A on transcript NM_032447.5 (MANE Select); coding-DNA position 4303, G replaced by A.
Protein change: p.Glu1435Lys; replaces glutamic acid 1435 with lysine.
Molecular consequence: missense variant.
Genome position (GRCh38, 1-based): chr19:8,110,875, C>T on the plus strand (G>A on the coding strand, the complement: FBN3 is on the minus strand). VCF-style: chr19-8110875-C-T. GRCh37 (hg19) VCF-style: chr19-8175759-C-T.
Other names: c.4303G>A, p.Glu1435Lys (NM_001321431.2); short protein forms E1435K.
Identifiers: ClinVar variation 4754747 (VCV004754747.1).

ClinVar aggregate classification (germline): Uncertain significance (1 of 4 stars; one submission).

gnomAD v4.1: 53 of 1,614,114 alleles (0.0033%); highest among the groups gnomAD compares: East Asian, 0.08%; no homozygotes.

Submission:

Labcorp Genetics (formerly Invitae), Labcorp
Classification: Uncertain significance. Last evaluated: 2025-07-10. Review status: criteria provided, single submitter. Criteria: Invitae Variant Classification Sherloc (09022015). Collection method: clinical testing. Allele origin: germline.
Comment: This sequence change replaces glutamic acid, which is acidic and polar, with lysine, which is basic and polar, at codon 1435 of the FBN3 protein (p.Glu1435Lys). This variant is present in population databases (rs376405342, gnomAD 0.005%). This variant has not been reported in the literature in individuals affected with FBN3-related conditions. Invitae Evidence Modeling of protein sequence and biophysical properties (such as structural, functional, and spatial information, amino acid conservation, physicochemical variation, residue mobility, and thermodynamic stability) indicates that this missense variant is not expected to disrupt FBN3 protein function with a negative predictive value of 80%. In summary, the available evidence is currently insufficient to determine the role of this variant in disease. Therefore, it has been classified as a Variant of Uncertain Significance.